The following is an entry in ClinVar:

NM_017934.7(PHIP):c.121_129+18del

Gene: PHIP (PHIP subunit of CUL4-Ring ligase complex; minus strand). Cytogenetic location: 6q14.1.
Variant type: Deletion.
Coding change: c.121_129+18del on transcript NM_017934.7 (MANE Select); coding-DNA position 121 through 18 bases into the intron after coding-DNA position 129, 27 bases deleted (GAGAAGGAGGTAAGGGCGGCGGCGGCC).
Molecular consequence: splice donor variant.
Genome position (GRCh38, 1-based): chr6:79,077,682-79,077,708, GGCCGCCGCCGCCCTTACCTCCTTCTC deleted on the plus strand (GAGAAGGAGGTAAGGGCGGCGGCGGCC on the coding strand, the reverse complement: PHIP is on the minus strand); deleting any 27 consecutive bases within chr6:79,077,682-79,077,712 gives the same sequence; the c. name uses the placement nearest the transcript's 3' end. VCF-style (leftmost placement, unchanged base first): chr6-79077681-GGGCCGCCGCCGCCCTTACCTCCTTCTC-G. GRCh37 (hg19) VCF-style: chr6-79787398-GGGCCGCCGCCGCCCTTACCTCCTTCTC-G.
Identifiers: ClinVar variation 2824056 (VCV002824056.3), dbSNP rs2482424972, ClinGen allele CA2739273258.
Genomic context (GRCh38, chr6:79,077,681, plus strand): 5'-CCGGCGGCGGCAGCGGCGGCGCAGCGGCCCAGAGGCGGCCGCGCGGCGGCGGGACGCGCC[GGGCCGCCGCCGCCCTTACCTCCTTCTC>G]GGCCACCTCGCGGATCAGCACCTGCAACAACAAAGCGGGGAGAGCTGAGCCCCGCGCCCC-3'

ClinVar aggregate classification (germline): Likely pathogenic (1 of 4 stars; one submission).

Submission:

Labcorp Genetics (formerly Invitae), Labcorp
Classification: Likely pathogenic. Last evaluated: 2022-12-25. Review status: criteria provided, single submitter. Criteria: Invitae Variant Classification Sherloc (09022015). Collection method: clinical testing. Allele origin: germline.
Comment: In summary, the currently available evidence indicates that the variant is pathogenic, but additional data are needed to prove that conclusively. Therefore, this variant has been classified as Likely Pathogenic. Algorithms developed to predict the effect of sequence changes on RNA splicing suggest that this variant may disrupt the consensus splice site. This variant has not been reported in the literature in individuals affected with PHIP-related conditions. The frequency data for this variant in the population databases is considered unreliable, as metrics indicate insufficient coverage at this position in the gnomAD database. This variant results in the deletion of c.121_129+18del of the PHIP gene. It is expected to disrupt RNA splicing. Variants that disrupt the donor or acceptor splice site typically lead to a loss of protein function (PMID: 16199547), and loss-of-function variants in PHIP are known to be pathogenic (PMID: 27900362).

Literature cited by the submitters: PubMed 16199547; PubMed 27900362.